The following is an entry in ClinVar:

NM_001370658.1(BTD):c.1309G>T (p.Val437Leu)

Gene: BTD (biotinidase; plus strand). Cytogenetic location: 3p25.1.
Variant type: single nucleotide variant.
Coding change: c.1309G>T on transcript NM_001370658.1 (MANE Select); coding-DNA position 1309, G replaced by T.
Protein change: p.Val437Leu; replaces valine 437 with leucine.
Molecular consequence: missense variant. On other transcripts: intron variant (2).
Genome position (GRCh38, 1-based): chr3:15,645,225, G>T. VCF-style: chr3-15645225-G-T. GRCh37 (hg19) VCF-style: chr3-15686732-G-T.
Other names: c.1369G>T, p.Val457Leu (NM_000060.4); c.1309G>T, p.Val437Leu (NM_001281723.4, NM_001281724.3, NM_001281725.3 and 16 more transcripts); c.1015+294G>T (NM_001370752.1); c.399+3168G>T (NM_001370753.1); short protein forms V437L.
Identifiers: ClinVar variation 550861 (VCV000550861.7), dbSNP rs146600671, ClinGen allele CA351608653.
Genomic context (GRCh38, chr3:15,645,225, plus strand): 5'-CTGTATGCCCTGGGGGTCTTTGATGGGCTTCACACAGTACATGGCACTTACTACATCCAA[G>T]TGTGTGCCCTGGTCAGGTGTGGGGGTCTTGGCTTCGACACCTGTGGACAGGAAATCACAG-3'
Protein context (NP_001357587.1, residues 427-447): HTVHGTYYIQ[Val437Leu]CALVRCGGLG

ClinVar aggregate classification (germline): Conflicting classifications of pathogenicity. Review status: criteria provided, conflicting classifications (1 of 4 stars). 3 submissions from 3 submitters: Likely pathogenic (1); Uncertain significance (1). 1 of the submissions does not count toward it. Last evaluated 2025-09-22.

Conditions:
Biotinidase deficiency. Also called: BTD deficiency; Late-onset biotin-responsive multiple carboxylase deficiency; Biotin deficiency. Identifiers: Orphanet 79241, MedGen C0220754, MONDO:0009665, OMIM 253260.

Allele frequency attached by ClinVar (database versions not stated): TOPMed 0.00001.
gnomAD v4.1: 2 of 1,614,086 alleles (0.00012%); highest among the groups gnomAD compares: Admixed American, 0.0033%; no homozygotes.

Submissions (3):

Women's Health and Genetics/Laboratory Corporation of America, LabCorp
Classification: Uncertain significance. Last evaluated: 2025-09-22. Review status: criteria provided, single submitter. Criteria: LabCorp Variant Classification Summary - May 2015. Collection method: clinical testing. Allele origin: germline.
Comment: Variant summary: BTD c.1309G>T (p.Val437Leu) results in a conservative amino acid change in the encoded protein sequence. Algorithms developed to predict the effect of missense changes on protein structure and function are either unavailable or do not agree on the potential impact of this missense change. The variant allele was found at a frequency of 4e-06 in 251432 control chromosomes (gnomAD). The available data on variant occurrences in the general population are insufficient to allow any conclusion about variant significance. To our knowledge, no occurrence of c.1309G>T in individuals affected with BTD-related conditions and no experimental evidence demonstrating its impact on protein function have been reported. ClinVar contains an entry for this variant (Variation ID: 550861). Based on the evidence outlined above, the variant was classified as uncertain significance.

Labcorp Genetics (formerly Invitae), Labcorp
Classification: Likely pathogenic for Biotinidase deficiency. Last evaluated: 2023-09-21. Review status: criteria provided, single submitter. Criteria: Invitae Variant Classification Sherloc (09022015). Collection method: clinical testing. Allele origin: germline.
Comment: This variant disrupts the p.Val457 amino acid residue in BTD. Other variant(s) that disrupt this residue have been determined to be pathogenic (PMID: 9396567, 28281033). This suggests that this residue is clinically significant, and that variants that disrupt this residue are likely to be disease-causing. This sequence change replaces valine, which is neutral and non-polar, with leucine, which is neutral and non-polar, at codon 457 of the BTD protein (p.Val457Leu). This variant is present in population databases (no rsID available, gnomAD 0.003%). This variant has not been reported in the literature in individuals affected with BTD-related conditions. ClinVar contains an entry for this variant (Variation ID: 550861). Advanced modeling of protein sequence and biophysical properties (such as structural, functional, and spatial information, amino acid conservation, physicochemical variation, residue mobility, and thermodynamic stability) performed at Invitae indicates that this missense variant is expected to disrupt BTD protein function. In summary, the currently available evidence indicates that the variant is pathogenic, but additional data are needed to prove that conclusively. Therefore, this variant has been classified as Likely Pathogenic.

Counsyl
Classification: Uncertain significance for Biotinidase deficiency. Last evaluated: 2017-03-13. Review status: no assertion criteria provided. Collection method: clinical testing. Allele origin: unknown. Not counted in ClinVar's aggregate classification.

Literature cited by the submitters: PubMed 9396567 (cited by Labcorp Genetics (formerly Invitae), Labcorp); PubMed 28281033 (cited by Labcorp Genetics (formerly Invitae), Labcorp).